The following is an entry in ClinVar:

ClinVar aggregate classification (germline): Uncertain significance. Review status: criteria provided, multiple submitters, no conflicts (2 of 4 stars). 3 submissions from 3 submitters: Uncertain significance (2). 1 of the submissions does not count toward it. Last evaluated 2021-01-28.

Conditions:
Hereditary cancer-predisposing syndrome. Also called: Tumor predisposition; Neoplastic Syndromes, Hereditary; Hereditary Cancer Syndrome; Hereditary neoplastic syndrome. Identifiers: Orphanet 140162, MedGen C0027672, MeSH D009386, MONDO:0015356.
Breast-ovarian cancer, familial, susceptibility to, 2 (BROVCA2). Also called: BRCA2 Hereditary Breast and Ovarian Cancer. Identifiers: Orphanet 145, MedGen C2675520, MONDO:0012933, OMIM 612555. Disease mechanism: loss of function.

Submissions (3):

Ambry Genetics
Classification: Uncertain significance for Hereditary cancer-predisposing syndrome. Last evaluated: 2021-01-28. Review status: criteria provided, single submitter. Criteria: Ambry Variant Classification Scheme 2023. Collection method: clinical testing. Allele origin: germline.
Comment: The c.6842-2A>G intronic variant results from an A to G substitution two nucleotides upstream from coding exon 11 in the BRCA2 gene. Alterations that disrupt the canonical splice site are expected to cause aberrant splicing, resulting in an abnormal protein or a transcript that is subject to nonsense-mediated mRNA decay. However, RNA studies have demonstrated that this alteration as well as close match alterations at this donor site result in an increase in a transcript predicted to lead to a protein with an in-frame deletion of coding exon 11 (also known as exon 12 in the literature; Ambry internal data; Meulemans L et al. Cancer Res, 2020 04;80:1374-1386). This exon may be clinically dispensable based on partially retained homology directed DNA repair activity (Meulemans L et al. Cancer Res, 2020 04;80:1374-1386). In addition, the literature describes a patient with a splice variant causing coding exon 11 skipping variant in trans with a truncating BRCA2 variant in an individual without apparent Fanconi Anemia; although the degree of exon skipping is uncertain (Li L et al. Hum. Mutat., 2009 Nov;30:1543-50; Meulemans L et al. Cancer Res, 2020 04;80:1374-1386). Thus, the clinical impact of of this variant and its resulting protein cannot be predicted. Since supporting evidence is limited at this time, the clinical significance of this alteration remains unclear.

Color Diagnostics, LLC DBA Color Health
Classification: Uncertain significance for Hereditary cancer-predisposing syndrome. Last evaluated: 2020-06-10. Review status: criteria provided, single submitter. Criteria: ACMG Guidelines, 2015. Collection method: clinical testing. Allele origin: germline.
Comment: This variant causes an A to G nucleotide substitution at the -2 position of intron 11 of the BRCA2 gene. This variant has not been reported in individuals affected with hereditary cancer in the literature although an exon 12 deletion has been reported in a breast/ovarian cancer patient (PMID: 30555256). Several lines of evidence suggest that deletion of exon 12 is tolerated in normal tissues. Alternative splicing of exon 12 was reported in multiple control samples (PMID: 10363970, 15026808, 19795481, 32046981, 32133419). A functional study reported that a similar canonical acceptor site variant (6842-1G>A with demonstrated in exon 12 skipping) retained protein function, as assayed by repair activity and BRCA2-null cell complementation studies, and failed to segregate with breast cancer in a family (PMID: 32046981). This variant has not been identified in the general population by the Genome Aggregation Database (gnomAD). The available evidence is insufficient to determine the role of this variant in disease conclusively. Therefore, this variant is classified as a Variant of Uncertain Significance.

Human Genome Sequencing Center Clinical Lab, Baylor College of Medicine
Classification: Likely pathogenic for Breast-ovarian cancer, familial, susceptibility to, 2. Last evaluated: 2017-01-18. Review status: flagged submission. Criteria: ACMG Guidelines, 2015. Collection method: clinical testing. Allele origin: germline. Not counted in ClinVar's aggregate classification.
Comment: This c.6842-2A>G variant has not previously been reported in public databases, nor been observed in our patient cohort. This variant affects the invariant acceptor splice site of intron 11. While not validated for clinical use, one computer-based algorithm predicts this variant to activate a cryptic splice site within exon 12 at position c.6843_6844GA, which would result in the lost of nucleotide c.6842 to c.6844 and an inframe glycine deletion at position 2281 . It is thus interpreted as a likely pathogenic variant.
ClinVar note: Reason: Outlier claim with insufficient supporting evidence

Literature cited by the submitters: PubMed 19795481 (cited by Ambry Genetics); PubMed 32046981 (cited by Ambry Genetics).

NM_000059.4(BRCA2):c.6842-2A>G

Gene: BRCA2 (BRCA2 DNA repair associated; plus strand). Cytogenetic location: 13q13.1.
Variant type: single nucleotide variant.
Coding change: c.6842-2A>G on transcript NM_000059.4 (MANE Select); the canonical splice acceptor site of the intron before coding-DNA position 6842, A replaced by G.
Molecular consequence: splice acceptor variant. On other transcripts: intron variant (1).
Genome position (GRCh38, 1-based): chr13:32,344,556, A>G. VCF-style: chr13-32344556-A-G. GRCh37 (hg19) VCF-style: chr13-32918693-A-G.
Other names: c.6842-2A>G (NM_001406720.1); c.6842-2271A>G (NM_001406719.1); c.1910-2A>G (NM_001406721.1); c.425-2A>G (NM_001406722.1).
Identifiers: ClinVar variation 491309 (VCV000491309.7), dbSNP rs1555285132, ClinGen allele CA387792589.